The following is an entry in ClinVar:

ClinVar aggregate classification (germline): Likely benign (1 of 4 stars; one submission).

gnomAD v4.1: 687 of 1,611,642 alleles (0.043%); highest among the groups gnomAD compares: Middle Eastern, 0.26%; 2 homozygotes.

Submission:

CeGaT Center for Human Genetics Tuebingen
Classification: Likely benign. Last evaluated: 2026-06-01. Review status: criteria provided, single submitter. Criteria: CeGaT Center For Human Genetics Tuebingen Variant Classification Criteria Version 2. Collection method: clinical testing. Allele origin: germline. Affected: yes. Observed: 1 variant allele.
Comment: MYO15A: PM2, BS2

NM_016239.4(MYO15A):c.9229+32G>C

Gene: MYO15A (myosin XVA; plus strand). Cytogenetic location: 17p11.2.
Variant type: single nucleotide variant.
Coding change: c.9229+32G>C on transcript NM_016239.4 (MANE Select); 32 bases into the intron after coding-DNA position 9229, G replaced by C.
Molecular consequence: intron variant.
Genome position (GRCh38, 1-based): chr17:18,159,379, G>C. VCF-style: chr17-18159379-G-C. GRCh37 (hg19) VCF-style: chr17-18062693-G-C.
Identifiers: ClinVar variation 5038573 (VCV005038573.1).
Genomic context (GRCh38, chr17:18,159,379, plus strand): 5'-CAGCAAGATGGCCACCGACATGTTCCTAGGTGTGGGAGTGGGACTGCAGCCAGGGCTCTG[G>C]GCTAGGTGGGATCCAGCACTGTGTGATCTCTACTGGTTGCCACTCCTCCCTGATCTTCAG-3'